The following is an entry in ClinVar:

NM_006785.4(MALT1):c.1768A>G (p.Met590Val)

Gene: MALT1 (MALT1 paracaspase; plus strand). Cytogenetic location: 18q21.32.
Variant type: single nucleotide variant.
Coding change: c.1768A>G on transcript NM_006785.4 (MANE Select); coding-DNA position 1768, A replaced by G.
Protein change: p.Met590Val; replaces methionine 590 with valine.
Molecular consequence: missense variant.
Genome position (GRCh38, 1-based): chr18:58,744,352, A>G. VCF-style: chr18-58744352-A-G. GRCh37 (hg19) VCF-style: chr18-56411584-A-G.
Other names: c.1735A>G, p.Met579Val (NM_173844.3); short protein forms M579V, M590V.
Identifiers: ClinVar variation 2072698 (VCV002072698.5), dbSNP rs775685815, ClinGen allele CA8977991.

ClinVar aggregate classification (germline): Uncertain significance. Review status: criteria provided, multiple submitters, no conflicts (2 of 4 stars). 2 submissions from 2 submitters: Uncertain significance (2). Last evaluated 2025-11-05.

Conditions:
Combined immunodeficiency due to MALT1 deficiency. Also called: Immunodeficiency 12. Identifiers: Orphanet 397964, MedGen C3809583, MONDO:0014197, OMIM 615468.

Allele frequency attached by ClinVar (database versions not stated): gnomAD 0.00001; ExAC 0.00002; TOPMed 0.00003.
gnomAD v4.1: 10 of 1,596,174 alleles (0.00063%); highest among the groups gnomAD compares: Middle Eastern, 0.017%; no homozygotes.

Submissions (2):

Labcorp Genetics (formerly Invitae), Labcorp
Classification: Uncertain significance for Combined immunodeficiency due to MALT1 deficiency. Last evaluated: 2025-11-05. Review status: criteria provided, single submitter. Criteria: Invitae Variant Classification Sherloc (09022015). Collection method: clinical testing. Allele origin: germline.
Comment: This sequence change replaces methionine, which is neutral and non-polar, with valine, which is neutral and non-polar, at codon 590 of the MALT1 protein (p.Met590Val). This variant is present in population databases (rs775685815, gnomAD 0.003%). This variant has not been reported in the literature in individuals affected with MALT1-related conditions. ClinVar contains an entry for this variant (Variation ID: 2072698). Invitae Evidence Modeling of protein sequence and biophysical properties (such as structural, functional, and spatial information, amino acid conservation, physicochemical variation, residue mobility, and thermodynamic stability) indicates that this missense variant is not expected to disrupt MALT1 protein function with a negative predictive value of 80%. In summary, the available evidence is currently insufficient to determine the role of this variant in disease. Therefore, it has been classified as a Variant of Uncertain Significance.

Blueprint Genetics
Classification: Uncertain significance. Last evaluated: 2021-03-25. Review status: criteria provided, single submitter. Criteria: ACMG Guidelines, 2015. Collection method: clinical testing. Allele origin: germline.